The following is an entry in ClinVar:

NM_001358530.2(MOCS1):c.*1909A>G

Genes: DAAM2 (dishevelled associated activator of morphogenesis 2; plus strand), MOCS1 (molybdenum cofactor synthesis 1; minus strand). Cytogenetic location: 6p21.2.
Variant type: single nucleotide variant.
Coding change: c.*1909A>G on transcript NM_001358530.2 (MANE Select); 1909 bases downstream of the stop codon, A replaced by G.
Molecular consequence: 3 prime UTR variant. On other transcripts: non-coding transcript variant (1).
Genome position (GRCh38, 1-based): chr6:39,904,448, T>C on the plus strand (A>G on the coding strand, the complement: MOCS1 is on the minus strand). VCF-style: chr6-39904448-T-C. GRCh37 (hg19) VCF-style: chr6-39872224-T-C.
Other names: c.*2411T>C (NM_001201427.2, NM_015345.4); c.*2677A>G (NM_001075098.4, NM_001358533.2, NM_001358534.2 and 1 more transcripts); c.*1909A>G (NM_001358529.2, NM_001358531.2).
Identifiers: ClinVar variation 356589 (VCV000356589.6), dbSNP rs73732316, ClinGen allele CA3795611.

ClinVar aggregate classification (germline): Likely benign. Review status: criteria provided, multiple submitters, no conflicts (2 of 4 stars). 2 submissions from 2 submitters: Likely benign (2). Last evaluated 2017-04-27.

Conditions:
Sulfite oxidase deficiency due to molybdenum cofactor deficiency type A. Also called: Molybdenum Cofactor Deficiency A; Molybdenum cofactor deficiency, complementation group A. Identifiers: Orphanet 308386, Orphanet 833, MedGen C1854988, MONDO:0009643, OMIM 252150.

Allele frequency attached by ClinVar (database versions not stated): gnomAD exomes 0.00238 and 0.00412; ExAC 0.00265; gnomAD 0.01867 and 0.02000; TOPMed 0.02167; 1000 Genomes Project 0.02336; 1000 Genomes Project 30x 0.02655.
gnomAD v4.1: 3,542 of 454,704 alleles (0.78%); highest among the groups gnomAD compares: African/African-American, 6.4%; 112 homozygotes.

Submissions (2):

Illumina Laboratory Services, Illumina
Classification: Likely benign for Sulfite oxidase deficiency due to molybdenum cofactor deficiency type A. Last evaluated: 2017-04-27. Review status: criteria provided, single submitter. Criteria: ICSL Variant Classification Criteria 13 December 2019. Collection method: clinical testing. Allele origin: germline.
Comment: This variant was observed as part of a predisposition screen in an ostensibly healthy population. A literature search was performed for the gene, cDNA change, and amino acid change (where applicable). No publications were found based on this search. Allele frequency data from public databases allowed determination this variant is unlikely to cause disease. Therefore, this variant is classified as likely benign.

Breakthrough Genomics
Classification: Likely benign. Review status: criteria provided, single submitter. Criteria: ACMG Guidelines, 2015. Collection method: not provided. Allele origin: germline. Inheritance: Autosomal recessive inheritance. Affected: yes.